The following is an entry in ClinVar:

ClinVar aggregate classification (germline): Conflicting classifications of pathogenicity. Review status: criteria provided, conflicting classifications (1 of 4 stars). 3 submissions from 3 submitters: Uncertain significance (2); Likely benign (1). Last evaluated 2026-02-19.

Conditions:
Adult-onset autosomal dominant demyelinating leukodystrophy. Identifiers: Orphanet 99027, MedGen C1868512, MONDO:0008215.
Microcephaly 26, primary, autosomal dominant. Identifiers: MedGen C5543048, MONDO:0030928, OMIM 619179.

Allele frequency attached by ClinVar (database versions not stated): ExAC 0.00002; gnomAD 0.00002 and 0.00003; gnomAD exomes 0.00002 and 0.00007; TOPMed 0.00004.
gnomAD v4.1: 37 of 1,613,860 alleles (0.0023%); highest among the groups gnomAD compares: East Asian, 0.038%; no homozygotes.

Submissions (3):

Centre for Medical Genetics,  Mumbai
Classification: Likely benign for Microcephaly 26, primary, autosomal dominant. Last evaluated: 2026-02-19. Review status: criteria provided, single submitter. Criteria: ACMG Guidelines, 2015. Collection method: provider interpretation. Allele origin: germline. Inheritance: Autosomal dominant inheritance. Affected: no. Observed: 1 heterozygote.
Comment: The variant satisfies PM2 criteria; extremely low frequency in gnomAD population databases. However, the variant satisfies BS2 criteria.

Labcorp Genetics (formerly Invitae), Labcorp
Classification: Uncertain significance. Last evaluated: 2024-05-29. Review status: criteria provided, single submitter. Criteria: Invitae Variant Classification Sherloc (09022015). Collection method: clinical testing. Allele origin: germline.
Comment: This sequence change replaces alanine, which is neutral and non-polar, with threonine, which is neutral and polar, at codon 436 of the LMNB1 protein (p.Ala436Thr). This variant is present in population databases (rs757576125, gnomAD 0.06%), and has an allele count higher than expected for a pathogenic variant. This missense change has been observed in individual(s) with neural tube defect (PMID: 23733478). ClinVar contains an entry for this variant (Variation ID: 1366654). Advanced modeling of protein sequence and biophysical properties (such as structural, functional, and spatial information, amino acid conservation, physicochemical variation, residue mobility, and thermodynamic stability) performed at Invitae indicates that this missense variant is expected to disrupt LMNB1 protein function with a positive predictive value of 80%. Experimental studies are conflicting or provide insufficient evidence to determine the effect of this variant on LMNB1 function (PMID: 23733478). In summary, the available evidence is currently insufficient to determine the role of this variant in disease. Therefore, it has been classified as a Variant of Uncertain Significance.

Department of Pathology and Laboratory Medicine, Sinai Health System
Classification: Uncertain significance for Leukodystrophy, demyelinating, adult-onset, autosomal dominant, typical; Microcephaly 26, primary, autosomal dominant. Last evaluated: 2023-03-14. Review status: criteria provided, single submitter. Criteria: ACMG Guidelines, 2015. Collection method: research. Allele origin: germline.

Literature cited by the submitters: PubMed 32910914 (cited by Centre for Medical Genetics,  Mumbai); PubMed 23733478 (cited by Labcorp Genetics (formerly Invitae), Labcorp).

NM_005573.4(LMNB1):c.1306G>A (p.Ala436Thr)

Gene: LMNB1 (lamin B1; plus strand). Cytogenetic location: 5q23.2.
Variant type: single nucleotide variant.
Coding change: c.1306G>A on transcript NM_005573.4 (MANE Select); coding-DNA position 1306, G replaced by A.
Protein change: p.Ala436Thr; replaces alanine 436 with threonine.
Molecular consequence: missense variant. On other transcripts: non-coding transcript variant (1).
Genome position (GRCh38, 1-based): chr5:126,821,055, G>A. VCF-style: chr5-126821055-G-A. GRCh37 (hg19) VCF-style: chr5-126156747-G-A.
Other names: c.676G>A, p.Ala226Thr (NM_001198557.2); short protein forms A226T, A436T.
Identifiers: ClinVar variation 1366654 (VCV001366654.10), dbSNP rs757576125, ClinGen allele CA3390681.